The following is an entry in ClinVar:

ClinVar aggregate classification (germline): Pathogenic. Review status: criteria provided, multiple submitters, no conflicts (2 of 4 stars). 8 submissions from 8 submitters: Pathogenic (8). Last evaluated 2024-04-18.

Conditions:
DICER1-related tumor predisposition. Also called: DICER1 syndrome; DICER1-related pleuropulmonary blastoma cancer predisposition syndrome. Identifiers: Orphanet 284343, MedGen C3839822, MONDO:0100216.
Hereditary cancer-predisposing syndrome. Also called: Tumor predisposition; Hereditary Cancer Syndrome; Neoplastic Syndromes, Hereditary; Hereditary neoplastic syndrome. Identifiers: Orphanet 140162, MedGen C0027672, MeSH D009386, MONDO:0015356.
Euthyroid goiter (MNG1). Also called: Goiter, multinodular 1, with or without Sertoli-Leydig cell tumors; GOITER, NONTOXIC, WITH INTRATHYROIDAL CALCIFICATION; MULTINODULAR GOITER, ADOLESCENT; SIMPLE GOITER. Identifiers: Orphanet 276399, MedGen C0302859, MONDO:0007681, OMIM 138800, HP:0009798.

Allele frequency attached by ClinVar (database versions not stated): ExAC 0.00001.

Submissions (8):

Labcorp Genetics (formerly Invitae), Labcorp
Classification: Pathogenic for DICER1-related tumor predisposition. Last evaluated: 2024-04-18. Review status: criteria provided, single submitter. Criteria: Invitae Variant Classification Sherloc (09022015). Collection method: clinical testing. Allele origin: germline.
Comment: This sequence change creates a premature translational stop signal (p.Arg624*) in the DICER1 gene. It is expected to result in an absent or disrupted protein product. Loss-of-function variants in DICER1 are known to be pathogenic (PMID: 19556464, 21266384). This variant is present in population databases (rs754818927, gnomAD 0.0009%). This premature translational stop signal has been observed in individuals with pleuropulmonary blastoma and multinodular goiter (PMID: 26925222, 28323992). ClinVar contains an entry for this variant (Variation ID: 254297). For these reasons, this variant has been classified as Pathogenic.

Institute for Genomic Medicine (IGM) Clinical Laboratory, Nationwide Children's Hospital
Classification: Pathogenic for DICER1-related tumor predisposition. Last evaluated: 2023-06-29. Review status: criteria provided, single submitter. Criteria: ACMG Guidelines, 2015. Collection method: clinical testing. Allele origin: germline.
Comment: This variant is predicted to result in loss of function through nonsense-mediated decay of the encoded transcript or premature truncation of the encoded protein in a gene in which loss of function is a known mechanism of disease (ACMG/AMP: PVS1; PMIDs:26925222, 21266384, 19556464, 31342592). This variant has been reported at an elevated frequency in affected individuals/in multiple affected individuals in the literature (ACMG/AMP: PS4_Supporting; PMIDs:26925222, 28323992). This variant is absent from or present at an exceedingly low frequency in gnomAD, a large-scale control population database (ACMG/AMP: PM2).

Ambry Genetics
Classification: Pathogenic for Hereditary cancer-predisposing syndrome. Last evaluated: 2023-05-03. Review status: criteria provided, single submitter. Criteria: Ambry Variant Classification Scheme 2023. Collection method: clinical testing. Allele origin: germline.
Comment: The p.R624* pathogenic mutation (also known as c.1870C>T), located in coding exon 10 of the DICER1 gene, results from a C to T substitution at nucleotide position 1870. This changes the amino acid from an arginine to a stop codon within coding exon 10. This alteration has been reported in individuals diagnosed with pleuropulmonary blastoma, multinodular goiter and intracranial sarcoma with dual chondroid and spindle cell morphology, respectively (Brenneman M et al. F1000Res, 2015 Jul;4:214; Khan NE et al. J. Clin. Endocrinol. Metab., 2017 05;102:1614-1622; Das A et al. Pediatr Blood Cancer, 2019 07;66:e27744). In addition to the clinical data presented in the literature, this alteration is expected to result in loss of function by premature protein truncation or nonsense-mediated mRNA decay. This variant is considered to be rare based on population cohorts in the Genome Aggregation Database (gnomAD). As such, this alteration is interpreted as a disease-causing mutation.

Quest Diagnostics Nichols Institute San Juan Capistrano
Classification: Pathogenic. Last evaluated: 2022-10-01. Review status: criteria provided, single submitter. Criteria: Quest Diagnostics criteria. Collection method: clinical testing. Allele origin: unknown.
Comment: This nonsense variant causes the premature termination of DICER1 protein synthesis. The frequency of this variant in the general population, 0.000004 (1/251460 chromosomes), is consistent with pathogenicity. In the published literature, the variant has been reported in individuals affected with pleuropulmonary blastoma (PMID: 26925222 (2015)), ovarian embryonal rhabdomyosarcoma (PMID: 33484847 (2021)), and intracranial sarcoma (PMID: 29881993 (2018), 30989777 (2019), 34913555 (2022)). Based on the available information, this variant is classified as pathogenic.

Baylor Genetics
Classification: Pathogenic for Euthyroid goiter. Last evaluated: 2019-12-30. Review status: criteria provided, single submitter. Criteria: ACMG Guidelines, 2015. Collection method: clinical testing. Allele origin: unknown. Affected: yes.
Comment: This variant was determined to be pathogenic according to ACMG Guidelines, 2015 [PMID:25741868].

Foulkes Cancer Genetics LDI, Lady Davis Institute for Medical Research
Classification: Pathogenic for Pleuropulmonary blastoma. Last evaluated: 2019-07-01. Review status: criteria provided, single submitter. Criteria: ACMG Guidelines, 2015. Collection method: curation. Allele origin: germline. Affected: yes and no. Observed: 7 variant alleles.
Comment: ACMG criteria met: PVS1, PM2, PM7, PP4

PreventionGenetics, part of Exact Sciences
Classification: Pathogenic. Last evaluated: 2016-05-02. Review status: criteria provided, single submitter. Criteria: ACMG Guidelines, 2015. Collection method: clinical testing. Allele origin: germline.

International Pleuropulmonary Blastoma Registry, Children's Hospitals and Clinics of Minnesota
Classification: Pathogenic for Pleuropulmonary blastoma. Last evaluated: 2014-11-10. Review status: criteria provided, single submitter. Criteria: Hill et al. (Science. 2009). Collection method: clinical testing. Allele origin: germline. Affected: yes. Study: PPB-DICER1 Genetic study.

Literature cited by the submitters: PubMed 19556464 (cited by Labcorp Genetics (formerly Invitae), Labcorp and Institute for Genomic Medicine (IGM) Clinical Laboratory, Nationwide Children's Hospital); PubMed 21266384 (cited by Labcorp Genetics (formerly Invitae), Labcorp and Institute for Genomic Medicine (IGM) Clinical Laboratory, Nationwide Children's Hospital); PubMed 26925222 (cited by 6 submitters); PubMed 28323992 (cited by 5 submitters); PubMed 31342592 (cited by Institute for Genomic Medicine (IGM) Clinical Laboratory, Nationwide Children's Hospital); PubMed 30178239 (cited by Ambry Genetics and Quest Diagnostics Nichols Institute San Juan Capistrano); PubMed 30989777 (cited by Ambry Genetics and Quest Diagnostics Nichols Institute San Juan Capistrano); PubMed 29881993 (cited by Quest Diagnostics Nichols Institute San Juan Capistrano and Foulkes Cancer Genetics LDI, Lady Davis Institute for Medical Research); PubMed 34913555 (cited by Quest Diagnostics Nichols Institute San Juan Capistrano); PubMed 33484847 (cited by Quest Diagnostics Nichols Institute San Juan Capistrano); PubMed 33767345 (cited by Quest Diagnostics Nichols Institute San Juan Capistrano).

NM_177438.3(DICER1):c.1870C>T (p.Arg624Ter)

Gene: DICER1 (dicer 1, ribonuclease III; minus strand). Cytogenetic location: 14q32.13.
Variant type: single nucleotide variant.
Coding change: c.1870C>T on transcript NM_177438.3 (MANE Select); coding-DNA position 1870, C replaced by T.
Protein change: p.Arg624Ter; replaces arginine 624 with a stop codon.
Molecular consequence: nonsense.
Genome position (GRCh38, 1-based): chr14:95,115,704, G>A on the plus strand (C>T on the coding strand, the complement: DICER1 is on the minus strand). VCF-style: chr14-95115704-G-A. GRCh37 (hg19) VCF-style: chr14-95582041-G-A.
Other names: c.1870C>T, p.Arg624Ter (NM_001195573.1, NM_001271282.3, NM_001291628.2 and 1 more transcripts); short protein forms R624*.
Identifiers: ClinVar variation 254297 (VCV000254297.21), dbSNP rs754818927, ClinGen allele CA7331382.
Genomic context (GRCh38, chr14:95,115,704, plus strand): 5'-ACACAAATGATATGATGCCATACCTATTGATGTGTCCAATGGCCGTGTTGATTGTGACTC[G>A]TGGACCACCATCGTCAGGCCTCAACACATATGGTGGGAAAACGTCATCATCATCCATGAC-3'